The following is an entry in ClinVar:

NM_000136.3(FANCC):c.937G>C (p.Ala313Pro)

Genes: AOPEP (aminopeptidase O (putative); plus strand), FANCC (FA complementation group C; minus strand). Cytogenetic location: 9q22.32.
Variant type: single nucleotide variant.
Coding change: c.937G>C on transcript NM_000136.3 (MANE Select); coding-DNA position 937, G replaced by C.
Protein change: p.Ala313Pro; replaces alanine 313 with proline.
Molecular consequence: missense variant.
Genome position (GRCh38, 1-based): chr9:95,125,145, C>G on the plus strand (G>C on the coding strand, the complement: FANCC is on the minus strand). VCF-style: chr9-95125145-C-G. GRCh37 (hg19) VCF-style: chr9-97887427-C-G.
Other names: c.937G>C, p.Ala313Pro (NM_001243743.2, NM_001243744.2); short protein forms A313P.
Identifiers: ClinVar variation 1308324 (VCV001308324.3), dbSNP rs1005809230, ClinGen allele CA196556020.

ClinVar aggregate classification (germline): Uncertain significance. Review status: criteria provided, multiple submitters, no conflicts (2 of 4 stars). 2 submissions from 2 submitters: Uncertain significance (2). Last evaluated 2026-05-24.

Conditions:
Hereditary cancer-predisposing syndrome. Also called: Neoplastic Syndromes, Hereditary; Tumor predisposition; Hereditary Cancer Syndrome; Hereditary neoplastic syndrome. Identifiers: Orphanet 140162, MedGen C0027672, MeSH D009386, MONDO:0015356.

Allele frequency attached by ClinVar (database versions not stated): gnomAD 0.00001; TOPMed 0.00001; gnomAD exomes below 0.00001.
gnomAD v4.1: 3 of 1,614,112 alleles (0.00019%); highest among the groups gnomAD compares: African/African-American, 0.004%; no homozygotes.

Submissions (2):

Ambry Genetics
Classification: Uncertain significance for Hereditary cancer-predisposing syndrome. Last evaluated: 2026-05-24. Review status: criteria provided, single submitter. Criteria: Ambry Variant Classification Scheme 2023. Collection method: clinical testing. Allele origin: germline.
Comment: The p.A313P variant (also known as c.937G>C), located in coding exon 9 of the FANCC gene, results from a G to C substitution at nucleotide position 937. The alanine at codon 313 is replaced by proline, an amino acid with highly similar properties. This amino acid position is conserved. In addition, the in silico prediction for this alteration is inconclusive. Based on the available evidence, the clinical significance of this variant remains unclear.

GeneDx
Classification: Uncertain significance. Last evaluated: 2019-03-19. Review status: criteria provided, single submitter. Criteria: GeneDx Variant Classification Process June 2021. Collection method: clinical testing. Allele origin: germline. Affected: yes.
Comment: Not observed at a significant frequency in large population cohorts (Lek 2016); In silico analysis supports that this missense variant does not alter protein structure/function; Has not been previously published as pathogenic or benign to our knowledge